The following is an entry in ClinVar:

ClinVar aggregate classification (germline): Uncertain significance (1 of 4 stars; one submission).

Allele frequency attached by ClinVar (database versions not stated): TOPMed 0.00007; gnomAD 0.00009.
gnomAD v4.1: 187 of 1,611,894 alleles (0.012%); highest among the groups gnomAD compares: Non-Finnish European, 0.016%; no homozygotes.

Submission:

Labcorp Genetics (formerly Invitae), Labcorp
Classification: Uncertain significance. Last evaluated: 2025-01-11. Review status: criteria provided, single submitter. Criteria: Invitae Variant Classification Sherloc (09022015). Collection method: clinical testing. Allele origin: germline.
Comment: This sequence change replaces proline, which is neutral and non-polar, with serine, which is neutral and polar, at codon 1142 of the CARMIL2 protein (p.Pro1142Ser). This variant is present in population databases (rs776689638, gnomAD 0.02%). This variant has not been reported in the literature in individuals affected with CARMIL2-related conditions. ClinVar contains an entry for this variant (Variation ID: 2073677). Invitae Evidence Modeling of protein sequence and biophysical properties (such as structural, functional, and spatial information, amino acid conservation, physicochemical variation, residue mobility, and thermodynamic stability) indicates that this missense variant is not expected to disrupt CARMIL2 protein function with a negative predictive value of 80%. In summary, the available evidence is currently insufficient to determine the role of this variant in disease. Therefore, it has been classified as a Variant of Uncertain Significance.

NM_001013838.3(CARMIL2):c.3424C>T (p.Pro1142Ser)

Gene: CARMIL2 (capping protein regulator and myosin 1 linker 2; plus strand). Cytogenetic location: 16q22.1.
Variant type: single nucleotide variant.
Coding change: c.3424C>T on transcript NM_001013838.3 (MANE Select); coding-DNA position 3424, C replaced by T.
Protein change: p.Pro1142Ser; replaces proline 1142 with serine.
Molecular consequence: missense variant.
Genome position (GRCh38, 1-based): chr16:67,654,534, C>T. VCF-style: chr16-67654534-C-T. GRCh37 (hg19) VCF-style: chr16-67688437-C-T.
Other names: c.3316C>T, p.Pro1106Ser (NM_001317026.3); short protein forms P1106S, P1142S.
Identifiers: ClinVar variation 2073677 (VCV002073677.2), dbSNP rs776689638, ClinGen allele CA8114010.